The following is an entry in ClinVar:

ClinVar aggregate classification (germline): Likely benign (0 of 4 stars; one submission).

Conditions:
NQO1-related disorder. Also called: NQO1-related condition.

Submission:

PreventionGenetics, part of Exact Sciences
Classification: Likely benign for NQO1-related condition. Last evaluated: 2019-03-29. Review status: no assertion criteria provided. Collection method: clinical testing. Allele origin: germline.
Comment: This variant is classified as likely benign based on ACMG/AMP sequence variant interpretation guidelines (Richards et al. 2015 PMID: 25741868, with internal and published modifications).

NM_000903.3(NQO1):c.-36_-9del

Genes: NQO1 (NAD(P)H quinone dehydrogenase 1; minus strand), LOC126862384 (BRD4-independent group 4 enhancer GRCh37_chr16:69760025-69761224; plus strand). Cytogenetic location: 16q22.1.
Variant type: Deletion.
Coding change: c.-36_-9del on transcript NM_000903.3 (MANE Select); 36 bases upstream of the start codon through 9 bases upstream of the start codon, 28 bases deleted (GCCCAGCCAATCAGCGCCCCGGACTGCA).
Molecular consequence: 5 prime UTR variant.
Genome position (GRCh38, 1-based): chr16:69,726,448-69,726,475, TGCAGTCCGGGGCGCTGATTGGCTGGGC deleted on the plus strand (GCCCAGCCAATCAGCGCCCCGGACTGCA on the coding strand, the reverse complement: NQO1 is on the minus strand); deleting any 28 consecutive bases within chr16:69,726,448-69,726,476 gives the same sequence; the c. name uses the placement nearest the transcript's 3' end. VCF-style (leftmost placement, unchanged base first): chr16-69726447-GTGCAGTCCGGGGCGCTGATTGGCTGGGC-G. GRCh37 (hg19) VCF-style: chr16-69760350-GTGCAGTCCGGGGCGCTGATTGGCTGGGC-G.
Other names: c.-36_-9del (NM_001025433.2, NM_001025434.2, NM_001286137.2).
Identifiers: ClinVar variation 3046382 (VCV003046382.2), dbSNP rs534337407, ClinGen allele CA8136373.
Genomic context (GRCh38, chr16:69,726,447, plus strand): 5'-TGCTCGAGAGACGACCGCCAAGCACCCCGCCCTTTGCAGCACTCACCGACCATGGCTCTG[GTGCAGTCCGGGGCGCTGATTGGCTGGGC>G]TCGTGGTTGCCGGGGCGACCCTGGCCGGAACTAGGCTCTCGGTGAGCTGGGCGGCTCCGG-3'